The following is an entry in ClinVar:

NM_181882.3(PRX):c.381+5G>A

Gene: PRX (periaxin; minus strand). Cytogenetic location: 19q13.2.
Variant type: single nucleotide variant.
Coding change: c.381+5G>A on transcript NM_181882.3 (MANE Select); 5 bases into the intron after coding-DNA position 381, G replaced by A.
Molecular consequence: intron variant. On other transcripts: missense variant (1).
Genome position (GRCh38, 1-based): chr19:40,398,615, C>T on the plus strand (G>A on the coding strand, the complement: PRX is on the minus strand). VCF-style: chr19-40398615-C-T. GRCh37 (hg19) VCF-style: chr19-40904522-C-T.
Other names: c.386G>A, p.Arg129His (NM_020956.2); short protein forms R129H.
Identifiers: ClinVar variation 1065593 (VCV001065593.2), dbSNP rs2145733964, ClinGen allele CA405901021.

ClinVar aggregate classification (germline): Likely pathogenic. Review status: criteria provided, single submitter (1 of 4 stars). 2 submissions from 2 submitters: Likely pathogenic (1). 1 of the submissions does not count toward it. Last evaluated 2025-07-10.

Conditions:
Developmental cataract. Also called: Congenital cataract; Bilateral cataracts; Congenital cataracts. Identifiers: MedGen C0009691, HP:0000519.

Submissions (2):

GeneDx
Classification: Likely pathogenic. Last evaluated: 2025-07-10. Review status: criteria provided, single submitter. Criteria: GeneDx Variant Classification Process June 2021. Collection method: clinical testing. Allele origin: germline. Affected: yes.
Comment: Intronic variant directly or indirectly altering the +5 splice site in a gene for which loss of function is a known mechanism of disease, and splice predictors support a deleterious effect; Not observed at significant frequency in large population cohorts (gnomAD); Has been reported, as c.386G>A, p.(Arg129His) in an alternate transcript, in the heterozygous state segregating with cataracts in a single family; authors (PMID: 36161833); This variant is associated with the following publications: (PMID: 36161833)

Dept. Genetics and Cancer, Menzies Institute for Medical Research, University of Tasmania
Classification: Uncertain significance for Developmental cataract. Last evaluated: 2021-05-01. Review status: no assertion criteria provided. Criteria: ACMG Guidelines, 2015. Collection method: research. Allele origin: germline. Affected: yes. Not counted in ClinVar's aggregate classification.
Comment: PM2, PP1_supporting, PP3. Absent/near absent from population databases. Segregation (supporting) with the disease in the family with â‰¥3 meioses. Multiple predictive tools assessing variant as damaging/pathogenic.